The following is an entry in ClinVar:

NM_001290043.2(TAP2):c.494-2A>G

Genes: TAP2 (transporter 2, ATP binding cassette subfamily B member; minus strand), LOC107648851 (meiotic recombination hotspot TAP2; plus strand). Cytogenetic location: 6p21.32.
Variant type: single nucleotide variant.
Coding change: c.494-2A>G on transcript NM_001290043.2 (MANE Select); the canonical splice acceptor site of the intron before coding-DNA position 494, A replaced by G.
Molecular consequence: splice acceptor variant.
Genome position (GRCh38, 1-based): chr6:32,837,653, T>C on the plus strand (A>G on the coding strand, the complement: TAP2 is on the minus strand). VCF-style: chr6-32837653-T-C. GRCh37 (hg19) VCF-style: chr6-32805430-T-C.
Other names: c.494-2A>G (NM_018833.3).
Identifiers: ClinVar variation 1480495 (VCV001480495.8), dbSNP rs2127367115, ClinGen allele CA363586220.
Genomic context (GRCh38, chr6:32,837,653, plus strand): 5'-AAAATCACCTCCCAGGATGTCAATCACACGACCAGAATAGTGAGGGATTAATGTCTCACC[T>C]GAAAGAGGCATGAAAAATAACACAAGAATGTGCTGGTGCCCAGGCCCTTTTACCACCTCC-3'

ClinVar aggregate classification (germline): Likely pathogenic (1 of 4 stars; one submission).

Conditions:
MHC class I deficiency. Identifiers: Orphanet 34592, MedGen C6024714, MONDO:0011476.

Allele frequency attached by ClinVar (database versions not stated): gnomAD exomes below 0.00001.
gnomAD v4.1: 1 of 1,614,044 alleles (0.000062%); highest among the groups gnomAD compares: Non-Finnish European, 0.000085%; no homozygotes.

Submission:

Labcorp Genetics (formerly Invitae), Labcorp
Classification: Likely pathogenic for MHC class I deficiency 1. Last evaluated: 2024-02-24. Review status: criteria provided, single submitter. Criteria: Invitae Variant Classification Sherloc (09022015). Collection method: clinical testing. Allele origin: germline.
Comment: This sequence change affects an acceptor splice site in intron 2 of the TAP2 gene. It is expected to disrupt RNA splicing. Variants that disrupt the donor or acceptor splice site typically lead to a loss of protein function (PMID: 16199547), and loss-of-function variants in TAP2 are known to be pathogenic (PMID: 7517574, 11529920, 12067308, 23662797). This variant is not present in population databases (gnomAD no frequency). This variant has not been reported in the literature in individuals affected with TAP2-related conditions. ClinVar contains an entry for this variant (Variation ID: 1480495). Algorithms developed to predict the effect of sequence changes on RNA splicing suggest that this variant may disrupt the consensus splice site. In summary, the currently available evidence indicates that the variant is pathogenic, but additional data are needed to prove that conclusively. Therefore, this variant has been classified as Likely Pathogenic.

Literature cited by the submitters: PubMed 16199547; PubMed 7517574; PubMed 11529920; PubMed 12067308; PubMed 23662797.